The following is an entry in ClinVar:

ClinVar aggregate classification (germline): Uncertain significance (1 of 4 stars; one submission).

Conditions:
Charcot-Marie-Tooth disease type 4. Also called: Charcot-Marie-Tooth disease, type IV; Charcot-Marie-Tooth, Type 4. Identifiers: Orphanet 64749, MedGen C4082197, MONDO:0018995.

Submission:

Labcorp Genetics (formerly Invitae), Labcorp
Classification: Uncertain significance for Charcot-Marie-Tooth disease type 4. Last evaluated: 2022-01-23. Review status: criteria provided, single submitter. Criteria: Invitae Variant Classification Sherloc (09022015). Collection method: clinical testing. Allele origin: germline.
Comment: This variant results in a copy number gain of the genomic region encompassing exon(s) 22 of the FIG4 gene. While the exact position of this variant cannot be determined from the data, sub-genic copy number gains are generally in tandem (PMID: 25640679). This variant is predicted to be in-frame, and likely preserves the integrity of the reading frame. This variant has not been reported in the literature in individuals affected with FIG4-related conditions. Experimental studies and prediction algorithms are not available or were not evaluated, and the functional significance of this variant is currently unknown. In summary, the available evidence is currently insufficient to determine the role of this variant in disease. Therefore, it has been classified as a Variant of Uncertain Significance.

Literature cited by the submitters: PubMed 25640679.

NC_000006.11:g.(?_110117948)_(110118074_?)dup

Gene: FIG4 (FIG4 phosphoinositide 5-phosphatase; plus strand). Cytogenetic location: 6q21.
Variant type: Duplication.
Identifiers: ClinVar variation 2425987 (VCV002425987.3).